The following is an entry in ClinVar:

ClinVar aggregate classification (germline): Conflicting classifications of pathogenicity. Review status: criteria provided, conflicting classifications (1 of 4 stars). 9 submissions from 9 submitters: Pathogenic (6); Likely pathogenic (1); Uncertain significance (1). 1 of the submissions does not count toward it. Last evaluated 2025-12-05.

Conditions:
COACH syndrome 2. Identifiers: MedGen C5436837, MONDO:0030859, OMIM 619111.
Joubert syndrome 9 (JBTS9). Identifiers: Orphanet 2318, MedGen C2676788, MONDO:0012849, OMIM 612285.
Meckel syndrome, type 6. Identifiers: Orphanet 564, MedGen C2676790, MONDO:0012848, OMIM 612284.
Retinitis pigmentosa 93. Identifiers: MedGen C5676970, MONDO:0030797, OMIM 619845.
CC2D2A-related disorder. Also called: CC2D2A-related disorders; CC2D2A-related condition. Identifiers: MedGen CN239313.
Joubert syndrome. Also called: JOUBERT-BOLTSHAUSER SYNDROME; Familial aplasia of the vermis. Identifiers: Orphanet 475, MedGen C5979921, MONDO:0018772.
Meckel-Gruber syndrome. Also called: GRUBER SYNDROME; DYSENCEPHALIA SPLANCHNOCYSTICA; Dysencephalia splachnocystica. Identifiers: Orphanet 564, MedGen C0265215, MONDO:0018921.

Allele frequency attached by ClinVar (database versions not stated): gnomAD exomes 0.00004; TOPMed 0.00004; gnomAD 0.00005 and 0.00006; ESP Exome Variant Server 0.00017; ExAC 0.00005.
gnomAD v4.1: 99 of 1,604,724 alleles (0.0062%); highest among the groups gnomAD compares: Non-Finnish European, 0.0079%; no homozygotes.

Submissions (9):

GeneDx
Classification: Pathogenic. Last evaluated: 2025-12-05. Review status: criteria provided, single submitter. Criteria: GeneDx Variant Classification Process June 2021. Collection method: clinical testing. Allele origin: germline. Affected: yes.
Comment: Not observed at significant frequency in large population cohorts (gnomAD); In silico analysis supports that this missense variant has a deleterious effect on protein structure/function; This variant is associated with the following publications: (PMID: 31964843, 33486889, 19574260, 22241855, 26092869, 29146704)

Labcorp Genetics (formerly Invitae), Labcorp
Classification: Pathogenic for Joubert syndrome; Meckel-Gruber syndrome. Last evaluated: 2025-12-01. Review status: criteria provided, single submitter. Criteria: Invitae Variant Classification Sherloc (09022015). Collection method: clinical testing. Allele origin: germline.
Comment: This sequence change replaces threonine, which is neutral and polar, with methionine, which is neutral and non-polar, at codon 1116 of the CC2D2A protein (p.Thr1116Met). This variant is present in population databases (rs267606709, gnomAD 0.006%). This missense change has been observed in individual(s) with Joubert syndrome and related disorders (PMID: 19574260, 22241855, 26092869). ClinVar contains an entry for this variant (Variation ID: 748). Invitae Evidence Modeling of protein sequence and biophysical properties (such as structural, functional, and spatial information, amino acid conservation, physicochemical variation, residue mobility, and thermodynamic stability) has been performed for this missense variant. However, the output from this modeling did not meet the statistical confidence thresholds required to predict the impact of this variant on CC2D2A protein function. For these reasons, this variant has been classified as Pathogenic.

Variantyx, Inc.
Classification: Likely pathogenic for Meckel syndrome, type 6. Last evaluated: 2025-07-10. Review status: criteria provided, single submitter. Criteria: Variantyx Assertion Criteria 2022. Collection method: clinical testing. Allele origin: germline. Inheritance: Autosomal recessive inheritance. Affected: yes.
Comment: This is a nonsynonymous variant in the CC2D2A gene (OMIM: 612013). Pathogenic variants in this gene have been associated with autosomal recessive CC2D2A-related ciliopathy, including Meckel syndrome 6. This variant has been identified in the homozygous or compound heterozygous state in at least two individuals reported in the published literature (PMID: 19574260, 22241855) (PM3_Strong) and has been observed to segregate with disease in at least four individuals from two families (PMID: 22241855, 26092869) (PP1). This variant has a 0.0079% maximum allele frequency in non-founder control populations (PM2). Computational algorithms produce conflicting evidence regarding the predicted functional impact of this variant (REVEL score: 0.595). The clinical symptoms reported for this proband are highly specific for autosomal recessive Meckel syndrome 6, which has a limited genetic etiology (PMID: 31411728) (PP4). Based on the current evidence, this variant is classified as likely pathogenic for autosomal recessive CC2D2A-related ciliopathy, including Meckel syndrome 6.

PreventionGenetics, part of Exact Sciences
Classification: Pathogenic for CC2D2A-related condition. Last evaluated: 2025-01-29. Review status: criteria provided, single submitter. Criteria: ACMG Guidelines, 2015. Collection method: clinical testing. Allele origin: germline.
Comment: The CC2D2A c.3347C>T variant is predicted to result in the amino acid substitution p.Thr1116Met. This variant has been reported in the homozygous state or with other loss-of-function CC2D2A variants in multiple individuals with Joubert syndrome with hepatic fibrosis, also known as COACH syndrome (Doherty et al. 2010. PubMed ID: 19574260; Barroso-Gil et al. 2021. PubMed ID: 33486889; Bachmann-Gagescu et al. 2012. PubMed ID: 22241855; Table S5, Bachmann-Gagescu et al. 2015. PubMed ID: 26092869). This variant has been observed in the compound heterozygous state or heterozygous state with other likely pathogenic variants in multiple individuals undergoing Joubert syndrome testing (Internal Data, PreventionGenetics). This variant is reported in 0.0056% of alleles in individuals of European (non-Finnish) descent in gnomAD. Taken together, this variant is interpreted as pathogenic.

Fulgent Genetics
Classification: Pathogenic for Meckel syndrome, type 6; Joubert syndrome 9; COACH syndrome 2; Retinitis pigmentosa 93. Last evaluated: 2024-05-06. Review status: criteria provided, single submitter. Criteria: ACMG Guidelines, 2015. Collection method: clinical testing. Allele origin: germline.

Blueprint Genetics
Classification: Pathogenic for CC2D2A-related disorders. Last evaluated: 2022-07-27. Review status: criteria provided, single submitter. Criteria: ACMG Guidelines, 2015. Collection method: clinical testing. Allele origin: germline. Affected: yes. Observed: 5 variant alleles.

Eurofins Ntd Llc (ga)
Classification: Uncertain significance. Last evaluated: 2018-03-15. Review status: criteria provided, single submitter. Criteria: EGL ClinVar v180209 classification definitions. Collection method: clinical testing. Allele origin: germline. Observed: 2 variant alleles, 2 heterozygotes.

UW Hindbrain Malformation Research Program, University of Washington
Classification: Pathogenic for Joubert syndrome 9. Last evaluated: 2015-02-23. Review status: criteria provided, single submitter. Criteria: Bachmann-Gagescu et al. (J Med Genet. 2015). Collection method: research. Allele origin: unknown. Affected: yes.

OMIM
Classification: Pathogenic for COACH SYNDROME 2. Last evaluated: 2010-01-01. Review status: no assertion criteria provided. Collection method: literature only. Allele origin: germline. Not counted in ClinVar's aggregate classification.

Literature cited by the submitters: PubMed 19574260 (cited by 3 submitters); PubMed 22241855 (cited by Labcorp Genetics (formerly Invitae), Labcorp and Variantyx, Inc.); PubMed 26092869 (cited by Labcorp Genetics (formerly Invitae), Labcorp and Variantyx, Inc.).

NM_001378615.1(CC2D2A):c.3347C>T (p.Thr1116Met)

Genes: CC2D2A (coiled-coil and C2 domain containing 2A; plus strand), FBXL5 (F-box and leucine rich repeat protein 5; minus strand). Cytogenetic location: 4p15.32.
Variant type: single nucleotide variant.
Coding change: c.3347C>T on transcript NM_001378615.1 (MANE Select); coding-DNA position 3347, C replaced by T.
Protein change: p.Thr1116Met; replaces threonine 1116 with methionine.
Molecular consequence: missense variant.
Genome position (GRCh38, 1-based): chr4:15,567,735, C>T. VCF-style: chr4-15567735-C-T. GRCh37 (hg19) VCF-style: chr4-15569358-C-T.
Other names: c.3347C>T, p.Thr1116Met (NM_001080522.2); c.3200C>T, p.Thr1067Met (NM_001378617.1); short protein forms T1116M, T1067M.
Identifiers: ClinVar variation 748 (VCV000000748.19), dbSNP rs267606709, ClinGen allele CA210343.